The following is an entry in ClinVar:

ClinVar aggregate classification (germline): Uncertain significance (1 of 4 stars; one submission).

Conditions:
MEPE-related disorder. Also called: MEPE-related condition.

Submission:

PreventionGenetics, part of Exact Sciences
Classification: Uncertain significance for MEPE-related condition. Last evaluated: 2026-07-06. Review status: criteria provided, single submitter. Criteria: ACMG Guidelines, 2015. Collection method: clinical testing. Allele origin: germline.
Comment: The MEPE c.466G>C variant is predicted to result in the amino acid substitution p.Gly156Arg. To our knowledge, this variant has not been reported in the literature. This variant is reported in 0.0058% of alleles in individuals of Latino descent in gnomAD. At this time, the clinical significance of this variant is uncertain due to the absence of conclusive functional and genetic evidence.

NM_020203.6(MEPE):c.373G>C (p.Gly125Arg)

Genes: MEPE (matrix extracellular phosphoglycoprotein; plus strand), MEPE-AS1 (MEPE and IBSP antisense RNA 1; minus strand). Cytogenetic location: 4q22.1.
Variant type: single nucleotide variant.
Coding change: c.373G>C on transcript NM_020203.6 (MANE Select); coding-DNA position 373, G replaced by C.
Protein change: p.Gly125Arg; replaces glycine 125 with arginine.
Molecular consequence: missense variant.
Genome position (GRCh38, 1-based): chr4:87,845,241, G>C. VCF-style: chr4-87845241-G-C. GRCh37 (hg19) VCF-style: chr4-88766393-G-C.
Other names: c.373G>C, p.Gly125Arg (NM_001184694.3); c.34G>C, p.Gly12Arg (NM_001184695.4, NM_001184696.2, NM_001184697.2); c.466G>C, p.Gly156Arg (NM_001291183.2); short protein forms G12R, G156R, G125R.
Identifiers: ClinVar variation 4985010 (VCV004985010.1).